The following is an entry in ClinVar:

NM_006796.3(AFG3L2):c.1216A>G (p.Ile406Val)

Gene: AFG3L2 (AFG3 like matrix AAA peptidase subunit 2; minus strand). Cytogenetic location: 18p11.21.
Variant type: single nucleotide variant.
Coding change: c.1216A>G on transcript NM_006796.3 (MANE Select); coding-DNA position 1216, A replaced by G.
Protein change: p.Ile406Val; replaces isoleucine 406 with valine.
Molecular consequence: missense variant.
Genome position (GRCh38, 1-based): chr18:12,353,107, T>C on the plus strand (A>G on the coding strand, the complement: AFG3L2 is on the minus strand). VCF-style: chr18-12353107-T-C. GRCh37 (hg19) VCF-style: chr18-12353106-T-C.
Other names: short protein forms I406V.
Identifiers: ClinVar variation 3370605 (VCV003370605.1).

ClinVar aggregate classification (germline): Uncertain significance (1 of 4 stars; one submission).

gnomAD v4.1: 26 of 1,614,216 alleles (0.0016%); highest among the groups gnomAD compares: Non-Finnish European, 0.0017%; no homozygotes.

Submission:

GeneDx
Classification: Uncertain significance. Last evaluated: 2024-03-12. Review status: criteria provided, single submitter. Criteria: GeneDx Variant Classification Process June 2021. Collection method: clinical testing. Allele origin: germline. Affected: yes.
Comment: Not observed at significant frequency in large population cohorts (gnomAD); In silico analysis supports that this missense variant does not alter protein structure/function; Has not been previously published as pathogenic or benign to our knowledge